The following is an entry in ClinVar:

ClinVar aggregate classification (germline): Uncertain significance (1 of 4 stars; one submission).

Conditions:
Weaver syndrome (WVS). Also called: Weaver Smith syndrome; Overgrowth syndrome with accelerated skeletal maturation, unusual facies, and camptodactyly. Identifiers: Orphanet 3447, MedGen C0265210, MONDO:0010193, OMIM 277590.

Submission:

Labcorp Genetics (formerly Invitae), Labcorp
Classification: Uncertain significance for Weaver syndrome. Last evaluated: 2024-09-19. Review status: criteria provided, single submitter. Criteria: Invitae Variant Classification Sherloc (09022015). Collection method: clinical testing. Allele origin: germline.
Comment: This sequence change replaces glutamic acid, which is acidic and polar, with glycine, which is neutral and non-polar, at codon 725 of the EZH2 protein (p.Glu725Gly). This variant is not present in population databases (gnomAD no frequency). This variant has not been reported in the literature in individuals affected with EZH2-related conditions. Invitae Evidence Modeling of protein sequence and biophysical properties (such as structural, functional, and spatial information, amino acid conservation, physicochemical variation, residue mobility, and thermodynamic stability) indicates that this missense variant is expected to disrupt EZH2 protein function with a positive predictive value of 80%. In summary, the available evidence is currently insufficient to determine the role of this variant in disease. Therefore, it has been classified as a Variant of Uncertain Significance.

NM_004456.5(EZH2):c.2174A>G (p.Glu725Gly)

Gene: EZH2 (enhancer of zeste 2 polycomb repressive complex 2 subunit; minus strand). Cytogenetic location: 7q36.1.
Variant type: single nucleotide variant.
Coding change: c.2174A>G on transcript NM_004456.5 (MANE Select); coding-DNA position 2174, A replaced by G.
Protein change: p.Glu725Gly; replaces glutamic acid 725 with glycine.
Molecular consequence: missense variant.
Genome position (GRCh38, 1-based): chr7:148,809,092, T>C on the plus strand (A>G on the coding strand, the complement: EZH2 is on the minus strand). VCF-style: chr7-148809092-T-C. GRCh37 (hg19) VCF-style: chr7-148506184-T-C.
Other names: c.2159A>G, p.Glu720Gly (NM_001203247.2); c.2132A>G, p.Glu711Gly (NM_001203248.2); c.2006A>G, p.Glu669Gly (NM_001203249.2); c.2042A>G, p.Glu681Gly (NM_152998.3); short protein forms E669G, E720G, E725G, E711G, E681G.
Identifiers: ClinVar variation 3723913 (VCV003723913.2).